The following is an entry in ClinVar:

ClinVar aggregate classification (germline): Likely pathogenic (1 of 4 stars; one submission).

Conditions:
Baraitser-Winter syndrome 1 (BRWS1). Also called: BARAITSER-WINTER SYNDROME 1, ATYPICAL; PACHYGYRIA, MENTAL RETARDATION, EPILEPSY, AND CHARACTERISTIC FACIES; MENTAL RETARDATION WITH EPILEPSY AND CHARACTERISTIC FACIES; Cerebrofrontofacial syndrome. Identifiers: Orphanet 2649, Orphanet 2995, MedGen C1855722, MONDO:0009470, OMIM 243310.

Submission:

3billion
Classification: Likely pathogenic for Baraitser-Winter syndrome 1. Last evaluated: 2025-07-16. Review status: criteria provided, single submitter. Criteria: ACMG Guidelines, 2015. Collection method: clinical testing. Allele origin: germline. Affected: yes.
Comment: The variant is not observed in the gnomAD v4.1.0 dataset. Predicted Consequence/Location: The variant is located in a mutational hot spot and/or well-established functional domain in which established pathogenic variants have been reported. Missense variant. Missense changes are a common disease-causing mechanism. In silico tool predictions suggest damaging effect of the variant on gene or gene product [REVEL: 0.73 (>=0.6, sensitivity 0.68 and specificity 0.92); 3Cnet: 0.98 (> 0.75, sensitivity 0.96 and precision 0.92)]. A different missense change at the same codon (p.Thr162Ala) has been reported to be associated with ACTB-related disorder (ClinVar ID: VCV001202044 /PMID: 29372643). Therefore, this variant is classified as Likely pathogenic according to the recommendation of ACMG/AMP guideline.

Literature cited by the submitters: PubMed 29372643.

NM_001101.5(ACTB):c.484A>T (p.Thr162Ser)

Gene: ACTB (actin beta; minus strand). Cytogenetic location: 7p22.1.
Variant type: single nucleotide variant.
Coding change: c.484A>T on transcript NM_001101.5 (MANE Select); coding-DNA position 484, A replaced by T.
Protein change: p.Thr162Ser; replaces threonine 162 with serine.
Molecular consequence: missense variant.
Genome position (GRCh38, 1-based): chr7:5,528,599, T>A on the plus strand (A>T on the coding strand, the complement: ACTB is on the minus strand). VCF-style: chr7-5528599-T-A. GRCh37 (hg19) VCF-style: chr7-5568230-T-A.
Other names: short protein forms T162S.
Identifiers: ClinVar variation 4854319 (VCV004854319.1).